The following is an entry in ClinVar:

NM_198578.4(LRRK2):c.6983A>G (p.Asn2328Ser)

Gene: LRRK2 (leucine rich repeat kinase 2; plus strand). Cytogenetic location: 12q12.
Variant type: single nucleotide variant.
Coding change: c.6983A>G on transcript NM_198578.4 (MANE Select); coding-DNA position 6983, A replaced by G.
Protein change: p.Asn2328Ser; replaces asparagine 2328 with serine.
Molecular consequence: missense variant.
Genome position (GRCh38, 1-based): chr12:40,359,399, A>G. VCF-style: chr12-40359399-A-G. GRCh37 (hg19) VCF-style: chr12-40753201-A-G.
Other names: short protein forms N2328S.
Identifiers: ClinVar variation 1756435 (VCV001756435.2), dbSNP rs2500012472, ClinGen allele CA384411978.
Genomic context (GRCh38, chr12:40,359,399, plus strand): 5'-ATTCAACGGAAAGAAATGTAATGTGGGGAGGATGTGGCACAAAGATTTTCTCCTTTTCTA[A>G]TGATTTCACCATTCAGAAACTCATTGAGACAAGAACAAGCCAACTGTAAGTTATTTTTTA-3'
Protein context (NP_940980.4, residues 2318-2338): GCGTKIFSFS[Asn2328Ser]DFTIQKLIET

ClinVar aggregate classification (germline): Uncertain significance (1 of 4 stars; one submission).

Conditions:
Inborn genetic diseases. Identifiers: MedGen C0950123, MeSH D030342.

Allele frequency attached by ClinVar (database versions not stated): gnomAD exomes below 0.00001.
gnomAD v4.1: 6 of 1,613,414 alleles (0.00037%); highest among the groups gnomAD compares: Middle Eastern, 0.017%; no homozygotes.

Submission:

Ambry Genetics
Classification: Uncertain significance for Inborn genetic diseases. Last evaluated: 2022-08-24. Review status: criteria provided, single submitter. Criteria: Ambry Variant Classification Scheme 2023. Collection method: clinical testing. Allele origin: germline.
Comment: The p.N2328S variant (also known as c.6983A>G), located in coding exon 47 of the LRRK2 gene, results from an A to G substitution at nucleotide position 6983. The asparagine at codon 2328 is replaced by serine, an amino acid with highly similar properties. This amino acid position is conserved. In addition, this alteration is predicted to be tolerated by in silico analysis. Since supporting evidence is limited at this time, the clinical significance of this alteration remains unclear.